The following is an entry in ClinVar:

NM_001003800.2(BICD2):c.2109G>A (p.Thr703=)

Gene: BICD2 (BICD cargo adaptor 2; minus strand). Cytogenetic location: 9q22.31.
Variant type: single nucleotide variant.
Coding change: c.2109G>A on transcript NM_001003800.2 (MANE Select); coding-DNA position 2109, G replaced by A.
Protein change: p.Thr703=; no amino-acid change (threonine 703 retained).
Molecular consequence: synonymous variant.
Genome position (GRCh38, 1-based): chr9:92,717,946, C>T on the plus strand (G>A on the coding strand, the complement: BICD2 is on the minus strand). VCF-style: chr9-92717946-C-T. GRCh37 (hg19) VCF-style: chr9-95480228-C-T.
Other names: c.2109G>A, p.Thr703= (NM_015250.4).
Identifiers: ClinVar variation 2576002 (VCV002576002.4), dbSNP rs1243854107, ClinGen allele CA466029881.

ClinVar aggregate classification (germline): Uncertain significance. Review status: criteria provided, multiple submitters, no conflicts (2 of 4 stars). 2 submissions from 2 submitters: Uncertain significance (2). Last evaluated 2025-09-10.

Conditions:
Autosomal dominant childhood-onset proximal spinal muscular atrophy with contractures (SMALED2A). Also called: Spinal muscular atrophy, lower extremity-predominant, 2A, autosomal dominant; SPINAL MUSCULAR ATROPHY, LOWER EXTREMITY-PREDOMINANT, 2A, CHILDHOOD ONSET, AUTOSOMAL DOMINANT. Identifiers: Orphanet 363447, Orphanet 363454, MedGen C4747715, MONDO:0014121, OMIM 615290.

Allele frequency attached by ClinVar (database versions not stated): TOPMed below 0.00001; gnomAD exomes 0.00001.
gnomAD v4.1: 11 of 1,612,880 alleles (0.00068%); highest among the groups gnomAD compares: East Asian, 0.018%; no homozygotes.

Submissions (2):

Labcorp Genetics (formerly Invitae), Labcorp
Classification: Uncertain significance for Autosomal dominant childhood-onset proximal spinal muscular atrophy with contractures. Last evaluated: 2025-09-10. Review status: criteria provided, single submitter. Criteria: Invitae Variant Classification Sherloc (09022015). Collection method: clinical testing. Allele origin: germline.
Comment: This sequence change affects codon 703 of the BICD2 mRNA. It is a 'silent' change, meaning that it does not change the encoded amino acid sequence of the BICD2 protein. This variant is present in population databases (no rsID available, gnomAD 0.0009%). This variant has not been reported in the literature in individuals affected with BICD2-related conditions. ClinVar contains an entry for this variant (Variation ID: 2576002). Algorithms developed to predict the effect of sequence changes on RNA splicing suggest that this variant may create or strengthen a splice site. In summary, the available evidence is currently insufficient to determine the role of this variant in disease. Therefore, it has been classified as a Variant of Uncertain Significance.

Institute for Clinical Genetics, University Hospital TU Dresden, University Hospital TU Dresden
Classification: Uncertain significance. Last evaluated: 2022-08-24. Review status: criteria provided, single submitter. Criteria: ACMG Guidelines, 2015. Collection method: clinical testing. Allele origin: germline.
Comment: PM5, PM2_SUP